The following is an entry in ClinVar:

NM_182972.3(IRF2BP2):c.954G>A (p.Ser318=)

Genes: IRF2BP2 (interferon regulatory factor 2 binding protein 2; minus strand), LOC129932810 (ATAC-STARR-seq lymphoblastoid active region 2760; plus strand). Cytogenetic location: 1q42.3.
Variant type: single nucleotide variant.
Coding change: c.954G>A on transcript NM_182972.3 (MANE Select); coding-DNA position 954, G replaced by A.
Protein change: p.Ser318=; no amino-acid change (serine 318 retained).
Molecular consequence: synonymous variant.
Genome position (GRCh38, 1-based): chr1:234,608,541, C>T on the plus strand (G>A on the coding strand, the complement: IRF2BP2 is on the minus strand). VCF-style: chr1-234608541-C-T. GRCh37 (hg19) VCF-style: chr1-234744287-C-T.
Other names: c.954G>A, p.Ser318= (NM_001077397.1); c.954G>A (NM_182972.2).
Identifiers: ClinVar variation 1592421 (VCV001592421.11), dbSNP rs760802611, ClinGen allele CA1461717.
Genomic context (GRCh38, chr1:234,608,541, plus strand): 5'-ACCCAACAACCTGCCTGCAGTCAGGGCCGGCTCCTTCTTAAACTTGCTCTCGAAGGGCCC[C>T]GAGTGGCCGTGCTGGTGCAGCGCCAGCAGCGTGTCGCGCACGGTCTTGGGCCTGTTGACC-3'
Protein context (NP_892017.2, residues 308-328): TLLALHQHGH[Ser318=]GPFESKFKKE

ClinVar aggregate classification (germline): Likely benign. Review status: criteria provided, multiple submitters, no conflicts (2 of 4 stars). 3 submissions from 3 submitters: Likely benign (2). 1 of the submissions does not count toward it. Last evaluated 2025-11-25.

Conditions:
IRF2BP2-related disorder. Also called: IRF2BP2-related condition.

Allele frequency attached by ClinVar (database versions not stated): gnomAD exomes 0.00004 and 0.00018; TOPMed 0.00008; ExAC 0.00017.
gnomAD v4.1: 65 of 1,610,348 alleles (0.004%); highest among the groups gnomAD compares: Admixed American, 0.1%; 1 homozygote.

Submissions (3):

Labcorp Genetics (formerly Invitae), Labcorp
Classification: Likely benign. Last evaluated: 2025-11-25. Review status: criteria provided, single submitter. Criteria: Invitae Variant Classification Sherloc (09022015). Collection method: clinical testing. Allele origin: germline.

Breakthrough Genomics
Classification: Likely benign. Review status: criteria provided, single submitter. Criteria: ACMG Guidelines, 2015. Collection method: not provided. Allele origin: germline. Inheritance: Autosomal dominant inheritance. Affected: yes.

PreventionGenetics, part of Exact Sciences
Classification: Likely benign for IRF2BP2-related condition. Last evaluated: 2019-06-05. Review status: no assertion criteria provided. Collection method: clinical testing. Allele origin: germline. Not counted in ClinVar's aggregate classification.
Comment: This variant is classified as likely benign based on ACMG/AMP sequence variant interpretation guidelines (Richards et al. 2015 PMID: 25741868, with internal and published modifications).